The following is an entry in ClinVar:

ClinVar aggregate classification (germline): Likely benign. Review status: criteria provided, multiple submitters, no conflicts (2 of 4 stars). 2 submissions from 2 submitters: Likely benign (2). Last evaluated 2026-09-22.

Conditions:
TTN-related disorder. Also called: TTN-related disorders; TTN-related condition; TTN-related disease.
Autosomal recessive limb-girdle muscular dystrophy type 2J (LGMDR10). Also called: MUSCULAR DYSTROPHY, LIMB-GIRDLE, AUTOSOMAL RECESSIVE 10; Limb-girdle muscular dystrophy, type 2J. Identifiers: Orphanet 140922, MedGen C1837342, MONDO:0012127, OMIM 608807.
Dilated cardiomyopathy 1G (CMD1G). Identifiers: Orphanet 154, MedGen C1858763, MONDO:0011400, OMIM 604145.

Allele frequency attached by ClinVar (database versions not stated): gnomAD 0.00001.
gnomAD v4.1: 5 of 1,613,238 alleles (0.00031%); highest among the groups gnomAD compares: African/African-American, 0.0013%; no homozygotes.

Submissions (2):

PreventionGenetics, part of Exact Sciences
Classification: Likely benign for TTN-related condition. Last evaluated: 2026-09-22. Review status: criteria provided, single submitter. Criteria: ACMG Guidelines, 2015. Collection method: clinical testing. Allele origin: germline.
Comment: This variant is classified as likely benign based on ACMG/AMP sequence variant interpretation guidelines (Richards et al. 2015 PMID: 25741868, with internal and published modifications).

Labcorp Genetics (formerly Invitae), Labcorp
Classification: Likely benign for Dilated cardiomyopathy 1G; Autosomal recessive limb-girdle muscular dystrophy type 2J. Last evaluated: 2022-09-17. Review status: criteria provided, single submitter. Criteria: Invitae Variant Classification Sherloc (09022015). Collection method: clinical testing. Allele origin: germline.

NM_001267550.2(TTN):c.57153A>G (p.Thr19051=)

Genes: TTN (titin; minus strand), TTN-AS1 (TTN antisense RNA 1; plus strand). Cytogenetic location: 2q31.2.
Variant type: single nucleotide variant.
Coding change: c.57153A>G on transcript NM_001267550.2 (MANE Select); coding-DNA position 57153, A replaced by G.
Protein change: p.Thr19051=; no amino-acid change (threonine 19051 retained).
Molecular consequence: synonymous variant.
Genome position (GRCh38, 1-based): chr2:178,598,017, T>C on the plus strand (A>G on the coding strand, the complement: TTN is on the minus strand). VCF-style: chr2-178598017-T-C. GRCh37 (hg19) VCF-style: chr2-179462744-T-C.
Other names: c.52230A>G, p.Thr17410= (NM_001256850.1); c.29958A>G, p.Thr9986= (NM_003319.4); c.49449A>G, p.Thr16483= (NM_133378.4); c.30333A>G, p.Thr10111= (NM_133432.3); c.30534A>G, p.Thr10178= (NM_133437.4).
Identifiers: ClinVar variation 1907970 (VCV001907970.6), dbSNP rs1205641736, ClinGen allele CA430097723.